The following is an entry in ClinVar:

ClinVar aggregate classification (germline): Uncertain significance. Review status: criteria provided, multiple submitters, no conflicts (2 of 4 stars). 2 submissions from 2 submitters: Uncertain significance (2). Last evaluated 2025-10-01.

Conditions:
Inborn genetic diseases. Identifiers: MedGen C0950123, MeSH D030342.

Submissions (2):

Ambry Genetics
Classification: Uncertain significance for Inborn genetic diseases. Last evaluated: 2025-10-01. Review status: criteria provided, single submitter. Criteria: Ambry Variant Classification Scheme 2023. Collection method: clinical testing. Allele origin: germline.
Comment: The p.A339V variant (also known as c.1016C>T), located in coding exon 3 of the MBD4 gene, results from a C to T substitution at nucleotide position 1016. The alanine at codon 339 is replaced by valine, an amino acid with similar properties. This amino acid position is conserved. In addition, this alteration is predicted to be tolerated by in silico analysis. Based on the available evidence, the clinical significance of this variant remains unclear.

Labcorp Genetics (formerly Invitae), Labcorp
Classification: Uncertain significance. Last evaluated: 2024-08-31. Review status: criteria provided, single submitter. Criteria: Invitae Variant Classification Sherloc (09022015). Collection method: clinical testing. Allele origin: germline.
Comment: This sequence change replaces alanine, which is neutral and non-polar, with valine, which is neutral and non-polar, at codon 339 of the MBD4 protein (p.Ala339Val). This variant is not present in population databases (gnomAD no frequency). This variant has not been reported in the literature in individuals affected with MBD4-related conditions. An algorithm developed to predict the effect of missense changes on protein structure and function (PolyPhen-2) suggests that this variant is likely to be tolerated. In summary, the available evidence is currently insufficient to determine the role of this variant in disease. Therefore, it has been classified as a Variant of Uncertain Significance.

NM_001276270.2(MBD4):c.1016C>T (p.Ala339Val)

Gene: MBD4 (methyl-CpG binding domain 4, DNA glycosylase; minus strand). Cytogenetic location: 3q21.3.
Variant type: single nucleotide variant.
Coding change: c.1016C>T on transcript NM_001276270.2 (MANE Select); coding-DNA position 1016, C replaced by T.
Protein change: p.Ala339Val; replaces alanine 339 with valine.
Molecular consequence: missense variant. On other transcripts: intron variant (1).
Genome position (GRCh38, 1-based): chr3:129,436,628, G>A on the plus strand (C>T on the coding strand, the complement: MBD4 is on the minus strand). VCF-style: chr3-129436628-G-A. GRCh37 (hg19) VCF-style: chr3-129155471-G-A.
Other names: c.1016C>T, p.Ala339Val (NM_001276271.2, NM_001276272.2, NM_003925.3); c.247+1180C>T (NM_001276273.2); short protein forms A339V.
Identifiers: ClinVar variation 3673894 (VCV003673894.3).
Genomic context (GRCh38, chr3:129,436,628, plus strand): 5'-CCGATTTCTTCAGATTCTAAAAAGGTATCCTCATACTTCTCGTTGTGTTCTGAGTCTTTG[G>A]CTGAACAAAATTTGTTTATGATGCCAGAAGTTTTTTGTTCAGAACAAAAATTTGATCCTG-3'
Protein context (NP_001263199.1, residues 329-349): TSGIINKFCS[Ala339Val]KDSEHNEKYE